The following is an entry in ClinVar:

NM_181336.4(LEMD2):c.430G>A (p.Asp144Asn)

Gene: LEMD2 (LEM domain nuclear envelope protein 2; minus strand). Cytogenetic location: 6p21.31.
Variant type: single nucleotide variant.
Coding change: c.430G>A on transcript NM_181336.4 (MANE Select); coding-DNA position 430, G replaced by A.
Protein change: p.Asp144Asn; replaces aspartic acid 144 with asparagine.
Molecular consequence: missense variant. On other transcripts: intron variant (2).
Genome position (GRCh38, 1-based): chr6:33,788,687, C>T on the plus strand (G>A on the coding strand, the complement: LEMD2 is on the minus strand). VCF-style: chr6-33788687-C-T. GRCh37 (hg19) VCF-style: chr6-33756464-C-T.
Other names: c.342+88G>A (NM_001348710.2); c.-171+88G>A (NM_001348709.2); short protein forms D144N.
Identifiers: ClinVar variation 4701136 (VCV004701136.1).

ClinVar aggregate classification (germline): Uncertain significance (1 of 4 stars; one submission).

Submission:

Labcorp Genetics (formerly Invitae), Labcorp
Classification: Uncertain significance. Last evaluated: 2025-03-06. Review status: criteria provided, single submitter. Criteria: Invitae Variant Classification Sherloc (09022015). Collection method: clinical testing. Allele origin: germline.
Comment: This sequence change replaces aspartic acid, which is acidic and polar, with asparagine, which is neutral and polar, at codon 144 of the LEMD2 protein (p.Asp144Asn). This variant is not present in population databases (gnomAD no frequency). This variant has not been reported in the literature in individuals affected with LEMD2-related conditions. An algorithm developed to predict the effect of missense changes on protein structure and function (PolyPhen-2) suggests that this variant is likely to be disruptive. In summary, the available evidence is currently insufficient to determine the role of this variant in disease. Therefore, it has been classified as a Variant of Uncertain Significance.